The following is an entry in ClinVar:

NM_001128840.3(CACNA1D):c.2919-18T>C

Gene: CACNA1D (calcium voltage-gated channel subunit alpha1 D; plus strand). Cytogenetic location: 3p21.1.
Variant type: single nucleotide variant.
Coding change: c.2919-18T>C on transcript NM_001128840.3 (MANE Select); 18 bases into the intron before coding-DNA position 2919, T replaced by C.
Molecular consequence: intron variant.
Genome position (GRCh38, 1-based): chr3:53,744,722, T>C. VCF-style: chr3-53744722-T-C. GRCh37 (hg19) VCF-style: chr3-53778749-T-C.
Other names: c.2919-18T>C (NM_001128839.3); c.2979-18T>C (NM_000720.4).
Identifiers: ClinVar variation 1908582 (VCV001908582.5), dbSNP rs538372720, ClinGen allele CA2454398.
Genomic context (GRCh38, chr3:53,744,722, plus strand): 5'-CCAGTGAAAGGGTGAATCTCAAAGCATCCTGTCCATTTATAACACGCTCTGCCTGCCGTC[T>C]TTCTGCTCCTTCCCTAGATCCAGTGCCATCTCCGTTGTGAAGATTCTGAGGGTCTTAAGG-3'

ClinVar aggregate classification (germline): Uncertain significance (1 of 4 stars; one submission).

Allele frequency attached by ClinVar (database versions not stated): gnomAD 0.00001; gnomAD exomes 0.00001; TOPMed 0.00001; ExAC 0.00004; 1000 Genomes Project 30x 0.00016; 1000 Genomes Project 0.00020.
gnomAD v4.1: 15 of 1,460,822 alleles (0.001%); highest among the groups gnomAD compares: Non-Finnish European, 0.0012%; no homozygotes.

Submission:

Labcorp Genetics (formerly Invitae), Labcorp
Classification: Uncertain significance. Last evaluated: 2025-06-10. Review status: criteria provided, single submitter. Criteria: Invitae Variant Classification Sherloc (09022015). Collection method: clinical testing. Allele origin: germline.
Comment: This sequence change falls in intron 23 of the CACNA1D gene. It does not directly change the encoded amino acid sequence of the CACNA1D protein. This variant is present in population databases (rs538372720, gnomAD 0.004%). This variant has not been reported in the literature in individuals affected with CACNA1D-related conditions. ClinVar contains an entry for this variant (Variation ID: 1908582). Algorithms developed to predict the effect of sequence changes on RNA splicing suggest that this variant may disrupt the consensus splice site. In summary, the available evidence is currently insufficient to determine the role of this variant in disease. Therefore, it has been classified as a Variant of Uncertain Significance.